The following is an entry in ClinVar:

NM_031372.4(HNRNPDL):c.156G>C (p.Gln52His)

Gene: HNRNPDL (heterogeneous nuclear ribonucleoprotein D like; minus strand). Cytogenetic location: 4q21.22.
Variant type: single nucleotide variant.
Coding change: c.156G>C on transcript NM_031372.4 (MANE Select); coding-DNA position 156, G replaced by C.
Protein change: p.Gln52His; replaces glutamine 52 with histidine.
Molecular consequence: missense variant. On other transcripts: non-coding transcript variant (1).
Genome position (GRCh38, 1-based): chr4:82,429,535, C>G on the plus strand (G>C on the coding strand, the complement: HNRNPDL is on the minus strand). VCF-style: chr4-82429535-C-G. GRCh37 (hg19) VCF-style: chr4-83350688-C-G.
Other names: c.156G>C, p.Gln52His (NM_001207000.1); short protein forms Q52H.
Identifiers: ClinVar variation 2863157 (VCV002863157.3), dbSNP rs2530025283, ClinGen allele CA357172940.
Genomic context (GRCh38, chr4:82,429,535, plus strand): 5'-CCCGCCCGCCAATCGGGAGGGCTGCTGGGCGGTGACGTGGCGCTGGGCCCGGCGCGCCCC[C>G]TGCCGGGCGGAGCTGGGAGCGAGCGAAGGGAGGAGCGGGGCTAGCTGCCGCGGCGGCCGC-3'
Protein context (NP_112740.1, residues 42-62): LPSLAPSSAR[Gln52His]GARRAQRHVT

ClinVar aggregate classification (germline): Uncertain significance (1 of 4 stars; one submission).

Conditions:
Autosomal dominant limb-girdle muscular dystrophy type 1G (LGMDD3). Also called: MUSCULAR DYSTROPHY, LIMB-GIRDLE, AUTOSOMAL DOMINANT 3; Limb-girdle muscular dystrophy, type 1G. Identifiers: Orphanet 55596, MedGen C1836765, MONDO:0012193, OMIM 609115.

Submission:

Labcorp Genetics (formerly Invitae), Labcorp
Classification: Uncertain significance for Autosomal dominant limb-girdle muscular dystrophy type 1G. Last evaluated: 2023-05-11. Review status: criteria provided, single submitter. Criteria: Invitae Variant Classification Sherloc (09022015). Collection method: clinical testing. Allele origin: germline.
Comment: In summary, the available evidence is currently insufficient to determine the role of this variant in disease. Therefore, it has been classified as a Variant of Uncertain Significance. An algorithm developed to predict the effect of missense changes on protein structure and function (PolyPhen-2) suggests that this variant is likely to be tolerated. This variant has not been reported in the literature in individuals affected with HNRNPDL-related conditions. This variant is not present in population databases (gnomAD no frequency). This sequence change replaces glutamine, which is neutral and polar, with histidine, which is basic and polar, at codon 52 of the HNRNPDL protein (p.Gln52His).